The following is an entry in ClinVar:

ClinVar aggregate classification (germline): Uncertain significance (1 of 4 stars; one submission).

Conditions:
Griscelli syndrome type 2 (GS2). Also called: GRISCELLI SYNDROME WITH HEMOPHAGOCYTIC SYNDROME; PAID SYNDROME; PARTIAL ALBINISM AND IMMUNODEFICIENCY SYNDROME. Identifiers: Orphanet 381, Orphanet 79477, MedGen C1868679, MONDO:0011872, OMIM 607624.

Allele frequency attached by ClinVar (database versions not stated): gnomAD exomes 0.00001; TOPMed 0.00001; ExAC 0.00002; ESP Exome Variant Server 0.00008.
gnomAD v4.1: 3 of 1,614,144 alleles (0.00019%); highest among the groups gnomAD compares: Non-Finnish European, 0.00025%; no homozygotes.

Submission:

Labcorp Genetics (formerly Invitae), Labcorp
Classification: Uncertain significance for Griscelli syndrome type 2. Last evaluated: 2019-12-06. Review status: criteria provided, single submitter. Criteria: Invitae Variant Classification Sherloc (09022015). Collection method: clinical testing. Allele origin: germline.
Comment: In summary, the available evidence is currently insufficient to determine the role of this variant in disease. Therefore, it has been classified as a Variant of Uncertain Significance. Algorithms developed to predict the effect of missense changes on protein structure and function output the following: SIFT: "Tolerated"; PolyPhen-2: "Benign"; Align-GVGD: "Class C0". The threonine amino acid residue is found in multiple mammalian species, suggesting that this missense change does not adversely affect protein function. These predictions have not been confirmed by published functional studies and their clinical significance is uncertain. This variant has not been reported in the literature in individuals with RAB27A-related conditions. This variant is present in population databases (rs373190916, ExAC 0.004%). This sequence change replaces alanine with threonine at codon 218 of the RAB27A protein (p.Ala218Thr). The alanine residue is weakly conserved and there is a small physicochemical difference between alanine and threonine.

NM_183235.3(RAB27A):c.652G>A (p.Ala218Thr)

Gene: RAB27A (RAB27A, member RAS oncogene family; minus strand). Cytogenetic location: 15q21.3.
Variant type: single nucleotide variant.
Coding change: c.652G>A on transcript NM_183235.3 (MANE Select); coding-DNA position 652, G replaced by A.
Protein change: p.Ala218Thr; replaces alanine 218 with threonine.
Molecular consequence: missense variant.
Genome position (GRCh38, 1-based): chr15:55,205,521, C>T on the plus strand (G>A on the coding strand, the complement: RAB27A is on the minus strand). VCF-style: chr15-55205521-C-T. GRCh37 (hg19) VCF-style: chr15-55497719-C-T.
Other names: c.652G>A, p.Ala218Thr (NM_004580.5, NM_183234.3, NM_183236.3); short protein forms A218T.
Identifiers: ClinVar variation 858465 (VCV000858465.9), dbSNP rs373190916, ClinGen allele CA7573512.